The following is an entry in ClinVar:

NM_006015.6(ARID1A):c.5933C>T (p.Ala1978Val)

Gene: ARID1A (AT-rich interaction domain 1A; plus strand). Cytogenetic location: 1p36.11.
Variant type: single nucleotide variant.
Coding change: c.5933C>T on transcript NM_006015.6 (MANE Select); coding-DNA position 5933, C replaced by T.
Protein change: p.Ala1978Val; replaces alanine 1978 with valine.
Molecular consequence: missense variant.
Genome position (GRCh38, 1-based): chr1:26,779,831, C>T. VCF-style: chr1-26779831-C-T. GRCh37 (hg19) VCF-style: chr1-27106322-C-T.
Other names: c.5282C>T, p.Ala1761Val (NM_139135.4); short protein forms A1761V, A1978V.
Identifiers: ClinVar variation 4840452 (VCV004840452.1).

ClinVar aggregate classification (germline): Uncertain significance (1 of 4 stars; one submission).

Conditions:
Inborn genetic diseases. Identifiers: MedGen C0950123, MeSH D030342.

gnomAD v4.1: 1 of 1,613,978 alleles (0.000062%); highest among the groups gnomAD compares: South Asian, 0.0011%; no homozygotes.

Submission:

Ambry Genetics
Classification: Uncertain significance for Inborn genetic diseases. Last evaluated: 2026-02-25. Review status: criteria provided, single submitter. Criteria: Ambry Variant Classification Scheme 2023. Collection method: clinical testing. Allele origin: germline.
Comment: The c.5933C>T (p.A1978V) alteration is located in exon 20 (coding exon 20) of the ARID1A gene. This alteration results from a C to T substitution at nucleotide position 5933, causing the alanine (A) at amino acid position 1978 to be replaced by a valine (V). Based on data from gnomAD, the T allele has an overall frequency of <0.001% (1/251470) total alleles studied. The highest observed frequency was 0.003% (1/30616) of South Asian alleles. Based on insufficient or conflicting evidence, the clinical significance of this alteration remains unclear.